The following is an entry in ClinVar:

ClinVar aggregate classification (germline): Benign/Likely benign. Review status: criteria provided, multiple submitters, no conflicts (2 of 4 stars). 2 submissions from 2 submitters: Benign (1); Likely benign (1). Last evaluated 2026-06-04.

Conditions:
Gastrointestinal stromal tumor. Also called: Gastrointestinal stroma tumor; Gastrointestinal stromal tumor, somatic. Identifiers: Orphanet 44890, MedGen C0238198, MeSH D046152, MONDO:0011719, OMIM 606764, HP:0100723.

Allele frequency attached by ClinVar (database versions not stated): gnomAD exomes below 0.00001.
gnomAD v4.1: 1 of 1,613,070 alleles (0.000062%); highest among the groups gnomAD compares: Non-Finnish European, 0.000085%; no homozygotes.

Submissions (2):

Myriad Genetics, Inc.
Classification: Benign for Gastrointestinal stromal tumor. Last evaluated: 2026-06-04. Review status: criteria provided, single submitter. Criteria: Myriad Autosomal Dominant, Autosomal Recessive and X-Linked Classification Criteria (2023). Collection method: clinical testing. Allele origin: unknown.
Comment: This variant is considered benign. This variant is a silent/synonymous amino acid change and it is not expected to impact splicing.

Labcorp Genetics (formerly Invitae), Labcorp
Classification: Likely benign for Gastrointestinal stromal tumor. Last evaluated: 2019-12-16. Review status: criteria provided, single submitter. Criteria: Invitae Variant Classification Sherloc (09022015). Collection method: clinical testing. Allele origin: germline.

NM_000222.3(KIT):c.2352C>T (p.Ala784=)

Gene: KIT (KIT proto-oncogene, receptor tyrosine kinase; plus strand). Cytogenetic location: 4q12.
Variant type: single nucleotide variant.
Coding change: c.2352C>T on transcript NM_000222.3 (MANE Select); coding-DNA position 2352, C replaced by T.
Protein change: p.Ala784=; no amino-acid change (alanine 784 retained).
Molecular consequence: synonymous variant.
Genome position (GRCh38, 1-based): chr4:54,731,989, C>T. VCF-style: chr4-54731989-C-T. GRCh37 (hg19) VCF-style: chr4-55598155-C-T.
Other names: c.2340C>T, p.Ala780= (NM_001093772.2, NM_001385292.1); c.2355C>T, p.Ala785= (NM_001385284.1); c.2349C>T, p.Ala783= (NM_001385285.1); c.2337C>T, p.Ala779= (NM_001385286.1); c.2343C>T, p.Ala781= (NM_001385288.1); c.2352C>T, p.Ala784= (NM_001385290.1).
Identifiers: ClinVar variation 1125762 (VCV001125762.17), dbSNP rs2109796090, ClinGen allele CA439291801.